The following is an entry in ClinVar:

ClinVar aggregate classification (germline): Uncertain significance. Review status: criteria provided, multiple submitters, no conflicts (2 of 4 stars). 2 submissions from 2 submitters: Uncertain significance (2). Last evaluated 2025-03-04.

Conditions:
Epilepsy, familial focal, with variable foci 3 (FFEVF3). Identifiers: MedGen C4310708, MONDO:0014925, OMIM 617118.
Inborn genetic diseases. Identifiers: MedGen C0950123, MeSH D030342.

Submissions (2):

Ambry Genetics
Classification: Uncertain significance for Inborn genetic diseases. Last evaluated: 2025-03-04. Review status: criteria provided, single submitter. Criteria: Ambry Variant Classification Scheme 2023. Collection method: clinical testing. Allele origin: germline.
Comment: The c.973_975delATC (p.I325del) alteration is located in exon 10 (coding exon 9) of the NPRL3 gene. This alteration consists of an in-frame deletion of 3 nucleotides between nucleotide positions c.973 and c.975, resulting in the deletion of 1 residue. Based on insufficient or conflicting evidence, the clinical significance of this alteration remains unclear.

Labcorp Genetics (formerly Invitae), Labcorp
Classification: Uncertain significance for Epilepsy, familial focal, with variable foci 3. Last evaluated: 2021-06-16. Review status: criteria provided, single submitter. Criteria: Invitae Variant Classification Sherloc (09022015). Collection method: clinical testing. Allele origin: germline.
Comment: In summary, the available evidence is currently insufficient to determine the role of this variant in disease. Therefore, it has been classified as a Variant of Uncertain Significance. Experimental studies and prediction algorithms are not available or were not evaluated, and the functional significance of this variant is currently unknown. This variant, c.973_975del, results in the deletion of 1 amino acid(s) of the NPRL3 protein (p.Ile325del), but otherwise preserves the integrity of the reading frame. This variant is not present in population databases (ExAC no frequency). This variant has been observed in individual(s) with NPRL3-related conditions (Invitae).

Literature cited by the submitters: PubMed 33461085 (cited by Ambry Genetics).

NM_001077350.3(NPRL3):c.967ATC[2] (p.Ile325del)

Genes: HBA-LCR (alpha-globin locus control region; plus strand), NPRL3 (NPR3 like, GATOR1 complex subunit; minus strand). Cytogenetic location: 16p13.3.
Variant type: Microsatellite.
Coding change: c.967ATC[2] on transcript NM_001077350.3 (MANE Select); two copies in a row of the 3-base unit ATC starting at c.967; the reference has three copies in a row; one copy, 3 bases deleted.
Protein change: p.Ile325del; deletes isoleucine 325.
Molecular consequence: inframe deletion.
Genome position (GRCh38, 1-based): chr16:93,275-93,277, GAT deleted on the plus strand (ATC on the coding strand, the reverse complement: NPRL3 is on the minus strand); deleting any 3 consecutive bases within chr16:93,275-93,284 gives the same sequence; the position shown is the placement nearest the transcript's 3' end. VCF-style (leftmost placement, unchanged base first): chr16-93274-AGAT-A. GRCh37 (hg19) VCF-style: chr16-143272-AGAT-A.
Other names: c.430ATC[2], p.Ile146del (NM_001039476.3); c.733ATC[2], p.Ile247del (NM_001243247.2); c.892ATC[2], p.Ile300del (NM_001243248.2, NM_001243249.2); c.973_975delATC (NM_001077350.2); short protein forms I300del, I247del, I146del, I325del.
Identifiers: ClinVar variation 1351861 (VCV001351861.7), dbSNP rs1287678265, ClinGen allele CA620167965.